The following is an entry in ClinVar:

NM_000814.6(GABRB3):c.40T>G (p.Ser14Ala)

Gene: GABRB3 (gamma-aminobutyric acid type A receptor subunit beta3; minus strand). Cytogenetic location: 15q12.
Variant type: single nucleotide variant.
Coding change: c.40T>G on transcript NM_000814.6 (MANE Select); coding-DNA position 40, T replaced by G.
Protein change: p.Ser14Ala; replaces serine 14 with alanine.
Molecular consequence: missense variant. On other transcripts: 5 prime UTR variant (1), intron variant (1).
Genome position (GRCh38, 1-based): chr15:26,772,923, A>C on the plus strand (T>G on the coding strand, the complement: GABRB3 is on the minus strand). VCF-style: chr15-26772923-A-C. GRCh37 (hg19) VCF-style: chr15-27018070-A-C.
Other names: c.-312T>G (NM_001278631.2); c.81-151T>G (NM_021912.5); short protein forms S14A.
Identifiers: ClinVar variation 2951199 (VCV002951199.3), dbSNP rs2504095894, ClinGen allele CA391465630.

ClinVar aggregate classification (germline): Uncertain significance (1 of 4 stars; one submission).

Conditions:
Epilepsy, childhood absence, susceptibility to, 1. Also called: Epilepsy, childhood absence 1. Identifiers: Orphanet 64280, MedGen C1838604, MONDO:0020759, OMIM 600131.
Epilepsy, childhood absence, susceptibility to, 5. Identifiers: Orphanet 64280, MedGen C2677087, MONDO:0012843, OMIM 612269.

Submission:

Labcorp Genetics (formerly Invitae), Labcorp
Classification: Uncertain significance for Epilepsy, childhood absence, susceptibility to, 5; Epilepsy, childhood absence, susceptibility to, 1. Last evaluated: 2023-08-23. Review status: criteria provided, single submitter. Criteria: Invitae Variant Classification Sherloc (09022015). Collection method: clinical testing. Allele origin: germline.
Comment: In summary, the available evidence is currently insufficient to determine the role of this variant in disease. Therefore, it has been classified as a Variant of Uncertain Significance. Advanced modeling of protein sequence and biophysical properties (such as structural, functional, and spatial information, amino acid conservation, physicochemical variation, residue mobility, and thermodynamic stability) has been performed at Invitae for this missense variant, however the output from this modeling did not meet the statistical confidence thresholds required to predict the impact of this variant on GABRB3 protein function. This variant has not been reported in the literature in individuals affected with GABRB3-related conditions. This variant is not present in population databases (gnomAD no frequency). This sequence change replaces serine, which is neutral and polar, with alanine, which is neutral and non-polar, at codon 14 of the GABRB3 protein (p.Ser14Ala).